The following is an entry in ClinVar:

ClinVar aggregate classification (germline): Uncertain significance (1 of 4 stars; one submission).

Submission:

Labcorp Genetics (formerly Invitae), Labcorp
Classification: Uncertain significance. Last evaluated: 2024-11-05. Review status: criteria provided, single submitter. Criteria: Invitae Variant Classification Sherloc (09022015). Collection method: clinical testing. Allele origin: germline.
Comment: This sequence change creates a premature translational stop signal (p.Ile1512Aspfs*8) in the ABCC2 gene. While this is not anticipated to result in nonsense mediated decay, it is expected to disrupt the last 34 amino acid(s) of the ABCC2 protein. This variant is present in population databases (rs751065868, gnomAD 0.03%). This variant has not been reported in the literature in individuals affected with ABCC2-related conditions. This variant disrupts the C-terminus of the ABCC2 protein. Other variant(s) that disrupt this region (p.Ile1513*) have been observed in individuals with ABCC2-related conditions (PMID: 31544333). This suggests that this may be a clinically significant region of the protein. In summary, the available evidence is currently insufficient to determine the role of this variant in disease. Therefore, it has been classified as a Variant of Uncertain Significance.

Literature cited by the submitters: PubMed 31544333.

NM_000392.5(ABCC2):c.4532dup (p.Ile1512fs)

Gene: ABCC2 (ATP binding cassette subfamily C member 2; plus strand). Cytogenetic location: 10q24.2.
Variant type: Duplication.
Coding change: c.4532dup on transcript NM_000392.5 (MANE Select); coding-DNA position 4532, one base duplicated (A; older notation c.4532dupA).
Protein change: p.Ile1512fs; shifts the reading frame from isoleucine 1512.
Molecular consequence: frameshift variant.
Genome position (GRCh38, 1-based): chr10:99,851,525, A duplicated; the last of 2 consecutive A bases (chr10:99,851,524-99,851,525); duplicating either gives the same sequence. VCF-style (leftmost placement, unchanged base first): chr10-99851523-G-GA. GRCh37 (hg19) VCF-style: chr10-101611280-G-GA.
Other names: short protein forms I1512fs.
Identifiers: ClinVar variation 3697880 (VCV003697880.2).
Genomic context (GRCh38, chr10:99,851,523, plus strand): 5'-TGCTTTCTAAGACTTTTATTTCTTTCTTCCTTGTTTCAGGGTAATGGTCCTAGACAACGG[G>GA]AAGATTATAGAGTGCGGCAGCCCTGAAGAACTGCTACAAATCCCTGGACCCTTTTACTTT-3'